The following is an entry in ClinVar:

NM_001035.3(RYR2):c.4275+50T>C

Gene: RYR2 (ryanodine receptor 2; plus strand). Cytogenetic location: 1q43.
Variant type: single nucleotide variant.
Coding change: c.4275+50T>C on transcript NM_001035.3 (MANE Select); 50 bases into the intron after coding-DNA position 4275, T replaced by C.
Molecular consequence: intron variant.
Genome position (GRCh38, 1-based): chr1:237,591,903, T>C. VCF-style: chr1-237591903-T-C. GRCh37 (hg19) VCF-style: chr1-237755203-T-C.
Other names: c.4275+50T>C (LRG_402t1).
Identifiers: ClinVar variation 257212 (VCV000257212.4), dbSNP rs2779430, ClinGen allele CA086582.

ClinVar aggregate classification (germline): Benign. Review status: criteria provided, multiple submitters, no conflicts (2 of 4 stars). 4 submissions from 4 submitters: Benign (4). Last evaluated 2026-09-21.

Allele frequency attached by ClinVar (database versions not stated): gnomAD 0.39657 and 0.39693; gnomAD exomes 0.45497 and 0.47289; TOPMed 0.39474; ExAC 0.43174; ESP Exome Variant Server 0.38190; 1000 Genomes Project 30x 0.33463; 1000 Genomes Project 0.33746.
gnomAD v4.1: 605,031 of 1,306,238 alleles (46%); highest among the groups gnomAD compares: Admixed American, 57%; 143,814 homozygotes.

Submissions (4):

Molecular Diagnostic Laboratory for Inherited Cardiovascular Disease, Montreal Heart Institute
Classification: Benign. Last evaluated: 2026-09-21. Review status: criteria provided, single submitter. Criteria: ACMG Guidelines, 2015. Collection method: clinical testing. Allele origin: germline. Affected: no.

GeneDx
Classification: Benign. Last evaluated: 2018-06-15. Review status: criteria provided, single submitter. Criteria: GeneDx Variant Classification (06012015). Collection method: clinical testing. Allele origin: germline. Affected: yes.
Comment: This variant is considered likely benign or benign based on one or more of the following criteria: it is a conservative change, it occurs at a poorly conserved position in the protein, it is predicted to be benign by multiple in silico algorithms, and/or has population frequency not consistent with disease.

Breakthrough Genomics
Classification: Benign. Review status: criteria provided, single submitter. Criteria: ACMG Guidelines, 2015. Collection method: not provided. Allele origin: germline. Inheritance: Autosomal dominant inheritance. Affected: yes.

PreventionGenetics, part of Exact Sciences
Classification: Benign. Review status: criteria provided, single submitter. Criteria: ACMG Guidelines, 2015. Collection method: clinical testing. Allele origin: germline.